The following is an entry in ClinVar:

NM_002292.4(LAMB2):c.4766A>C (p.Asp1589Ala)

Gene: LAMB2 (laminin subunit beta 2; minus strand). Cytogenetic location: 3p21.31.
Variant type: single nucleotide variant.
Coding change: c.4766A>C on transcript NM_002292.4 (MANE Select); coding-DNA position 4766, A replaced by C.
Protein change: p.Asp1589Ala; replaces aspartic acid 1589 with alanine.
Molecular consequence: missense variant.
Genome position (GRCh38, 1-based): chr3:49,122,178, T>G on the plus strand (A>C on the coding strand, the complement: LAMB2 is on the minus strand). VCF-style: chr3-49122178-T-G. GRCh37 (hg19) VCF-style: chr3-49159611-T-G.
Other names: short protein forms D1589A.
Identifiers: ClinVar variation 2636172 (VCV002636172.2), dbSNP rs772370353, ClinGen allele CA352688882.

ClinVar aggregate classification (germline): Uncertain significance. Review status: criteria provided, multiple submitters, no conflicts (2 of 4 stars). 2 submissions from 2 submitters: Uncertain significance (2). Last evaluated 2024-05-14.

Conditions:
Inborn genetic diseases. Identifiers: MedGen C0950123, MeSH D030342.
LAMB2-related disorder. Also called: LAMB2-related condition.

Allele frequency attached by ClinVar (database versions not stated): TOPMed below 0.00001; gnomAD exomes 0.00001.
gnomAD v4.1: 3 of 1,613,588 alleles (0.00019%); highest among the groups gnomAD compares: Admixed American, 0.0033%; no homozygotes.

Submissions (2):

Ambry Genetics
Classification: Uncertain significance for Inborn genetic diseases. Last evaluated: 2024-05-14. Review status: criteria provided, single submitter. Criteria: Ambry Variant Classification Scheme 2023. Collection method: clinical testing. Allele origin: germline.

PreventionGenetics, part of Exact Sciences
Classification: Uncertain significance for LAMB2-related condition. Last evaluated: 2022-11-23. Review status: criteria provided, single submitter. Criteria: ACMG Guidelines, 2015. Collection method: clinical testing. Allele origin: germline.
Comment: The LAMB2 c.4766A>C variant is predicted to result in the amino acid substitution p.Asp1589Ala. To our knowledge, this variant has not been reported in the literature. This variant is reported in 0.0058% of alleles in individuals of Latino descent in gnomAD. At this time, the clinical significance of this variant is uncertain due to the absence of conclusive functional and genetic evidence.